The following is an entry in ClinVar:

ClinVar aggregate classification (germline): Conflicting classifications of pathogenicity. Review status: criteria provided, conflicting classifications (1 of 4 stars). 4 submissions from 4 submitters: Uncertain significance (1); Likely benign (2). 1 of the submissions does not count toward it. Last evaluated 2025-06-29.

Conditions:
Naxos disease (NXD). Also called: CARDIOMYOPATHY, ARRHYTHMOGENIC RIGHT VENTRICULAR, WITH SKIN, HAIR, AND NAIL ABNORMALITIES; KERATOSIS PALMOPLANTARIS WITH ARRHYTHMOGENIC CARDIOMYOPATHY; MAL DE NAXOS; PALMOPLANTAR KERATODERMA WITH ARRHYTHMOGENIC RIGHT VENTRICULAR CARDIOMYOPATHY AND WOOLLY HAIR; WOOLLY HAIR, PALMOPLANTAR KERATODERMA, AND CARDIAC ABNORMALITIES. Identifiers: Orphanet 34217, MedGen C1832600, MONDO:0011017, OMIM 601214.
Arrhythmogenic right ventricular dysplasia 12. Also called: ARRHYTHMOGENIC RIGHT VENTRICULAR DYSPLASIA, FAMILIAL, 12. Identifiers: MedGen C1969081, MONDO:0012684, OMIM 611528.
JUP-related disorder. Also called: JUP-related condition.

Allele frequency attached by ClinVar (database versions not stated): gnomAD 0.00001; TOPMed 0.00001.
gnomAD v4.1: 14 of 1,613,484 alleles (0.00087%); highest among the groups gnomAD compares: Admixed American, 0.0033%; no homozygotes.

Submissions (4):

Labcorp Genetics (formerly Invitae), Labcorp
Classification: Likely benign for Arrhythmogenic right ventricular dysplasia 12; Naxos disease. Last evaluated: 2025-06-29. Review status: criteria provided, single submitter. Criteria: Invitae Variant Classification Sherloc (09022015). Collection method: clinical testing. Allele origin: germline.

Women's Health and Genetics/Laboratory Corporation of America, LabCorp
Classification: Uncertain significance. Last evaluated: 2024-11-10. Review status: criteria provided, single submitter. Criteria: LabCorp Variant Classification Summary - May 2015. Collection method: clinical testing. Allele origin: germline.

Laboratory for Molecular Medicine, Mass General Brigham Personalized Medicine
Classification: Likely benign. Last evaluated: 2014-02-21. Review status: criteria provided, single submitter. Criteria: LMM Criteria. Collection method: clinical testing. Allele origin: germline. Observed: 1 variant allele.
Comment: c.2086+7G>C in intron 13 of JUP: This variant is not expected to have clinical s ignificance because it is not located within the splice consensus sequence. 208 6+7G>C in intron 13 of JUP ((allele frequency = n/a)

PreventionGenetics, part of Exact Sciences
Classification: Likely benign for JUP-related condition. Last evaluated: 2019-02-22. Review status: no assertion criteria provided. Collection method: clinical testing. Allele origin: germline. Not counted in ClinVar's aggregate classification.
Comment: This variant is classified as likely benign based on ACMG/AMP sequence variant interpretation guidelines (Richards et al. 2015 PMID: 25741868, with internal and published modifications).

NM_002230.4(JUP):c.2086+7G>C

Gene: JUP (junction plakoglobin; minus strand). Cytogenetic location: 17q21.2.
Variant type: single nucleotide variant.
Coding change: c.2086+7G>C on transcript NM_002230.4 (MANE Select); 7 bases into the intron after coding-DNA position 2086, G replaced by C.
Molecular consequence: intron variant.
Genome position (GRCh38, 1-based): chr17:41,756,168, C>G on the plus strand (G>C on the coding strand, the complement: JUP is on the minus strand). VCF-style: chr17-41756168-C-G. GRCh37 (hg19) VCF-style: chr17-39912420-C-G.
Other names: c.2086+7G>C (NM_001352774.2, NM_021991.4, NM_001352776.2 and 3 more transcripts).
Identifiers: ClinVar variation 179547 (VCV000179547.16), dbSNP rs727504940, ClinGen allele CA184637.
Genomic context (GRCh38, chr17:41,756,168, plus strand): 5'-CCCCTCACACACACCCACACAGCCGCCCAGGATCTCCAGGGTCCTGAAGAGCCCGGCACA[C>G]ACTTACCATCTCCATAGGGCTCATTGATGGGAATCATGCTCTGGGCCTGAAAAAGGAGAG-3'